The following is an entry in ClinVar:

NM_004998.4(MYO1E):c.1734A>G (p.Lys578=)

Gene: MYO1E (myosin IE; minus strand). Cytogenetic location: 15q22.2.
Variant type: single nucleotide variant.
Coding change: c.1734A>G on transcript NM_004998.4 (MANE Select); coding-DNA position 1734, A replaced by G.
Protein change: p.Lys578=; no amino-acid change (lysine 578 retained).
Molecular consequence: synonymous variant.
Genome position (GRCh38, 1-based): chr15:59,195,532, T>C on the plus strand (A>G on the coding strand, the complement: MYO1E is on the minus strand). VCF-style: chr15-59195532-T-C. GRCh37 (hg19) VCF-style: chr15-59487731-T-C.
Other names: c.1734A>G (NM_004998.3).
Identifiers: ClinVar variation 1600020 (VCV001600020.11), dbSNP rs200987052, ClinGen allele CA7589513.

ClinVar aggregate classification (germline): Benign/Likely benign. Review status: criteria provided, multiple submitters, no conflicts (2 of 4 stars). 3 submissions from 3 submitters: Benign (1); Likely benign (1). 1 of the submissions does not count toward it. Last evaluated 2022-05-06.

Conditions:
MYO1E-related disorder. Also called: MYO1E-related condition.
Focal segmental glomerulosclerosis 6 (FSGS6). Identifiers: Orphanet 656, MedGen C3279905, MONDO:0013589, OMIM 614131.

Allele frequency attached by ClinVar (database versions not stated): ExAC 0.00013; ESP Exome Variant Server 0.00015; gnomAD 0.00015; gnomAD exomes 0.00019.
gnomAD v4.1: 222 of 1,614,000 alleles (0.014%); highest among the groups gnomAD compares: Middle Eastern, 0.016%; 2 homozygotes.

Submissions (3):

Labcorp Genetics (formerly Invitae), Labcorp
Classification: Benign. Last evaluated: 2022-05-06. Review status: criteria provided, single submitter. Criteria: Invitae Variant Classification Sherloc (09022015). Collection method: clinical testing. Allele origin: germline.

Fulgent Genetics
Classification: Likely benign for Focal segmental glomerulosclerosis 6. Last evaluated: 2022-02-04. Review status: criteria provided, single submitter. Criteria: ACMG Guidelines, 2015. Collection method: clinical testing. Allele origin: unknown.

PreventionGenetics, part of Exact Sciences
Classification: Likely benign for MYO1E-related condition. Last evaluated: 2022-12-22. Review status: no assertion criteria provided. Collection method: clinical testing. Allele origin: germline. Not counted in ClinVar's aggregate classification.
Comment: This variant is classified as likely benign based on ACMG/AMP sequence variant interpretation guidelines (Richards et al. 2015 PMID: 25741868, with internal and published modifications).